The following is an entry in ClinVar:

NC_000009.11:g.(?_36276871)_(36277059_?)dup

Gene: GNE (glucosamine (UDP-N-acetyl)-2-epimerase/N-acetylmannosamine kinase; minus strand). Cytogenetic location: 9p13.3.
Variant type: Duplication.
Identifiers: ClinVar variation 460449 (VCV000460449.2).

ClinVar aggregate classification (germline): Uncertain significance (1 of 4 stars; one submission).

Conditions:
Sialuria. Also called: SIALURIA, FRENCH TYPE; Sialic Acid Storage Disease. Identifiers: Orphanet 3166, MedGen C0342853, MONDO:0010028, OMIM 269921.
GNE myopathy (NM). Also called: NONAKA DISTAL MYOPATHY; MYOPATHY, DISTAL, WITH OR WITHOUT RIMMED VACUOLES; INCLUSION BODY MYOPATHY, HEREDITARY, AUTOSOMAL RECESSIVE; INCLUSION BODY MYOPATHY 2, AUTOSOMAL RECESSIVE; IBM 2; Inclusion body myopathy autosomal recessive. Identifiers: Orphanet 602, MedGen C1853926, MONDO:0011603, OMIM 605820.

Submission:

Labcorp Genetics (formerly Invitae), Labcorp
Classification: Uncertain significance for Sialuria; Inclusion body myopathy autosomal recessive. Last evaluated: 2019-10-07. Review status: criteria provided, single submitter. Criteria: Invitae Variant Classification Sherloc (09022015). Collection method: clinical testing. Allele origin: germline.
Comment: This variant results in a copy number gain of the genomic region encompassing exon 1 of the GNE gene. The 5' end of this event is unknown as it extends beyond the assayed region for this gene and therefore may encompass additional genes. The 3' boundary is likely confined to intron 1 of the GNE gene. The exact location of this variant in the genome is unknown. This variant has not been reported in the literature in individuals with GNE-related disease. Experimental studies are not available for this variant, and the functional significance of a copy number gain of exon 1 is currently unknown. In summary, the available evidence is currently insufficient to determine the role of this variant in disease. Therefore, it has been classified as a Variant of Uncertain Significance.